The following is an entry in ClinVar:

ClinVar aggregate classification (germline): Uncertain significance (1 of 4 stars; one submission).

Conditions:
Charcot-Marie-Tooth disease axonal type 2O. Also called: CHARCOT-MARIE-TOOTH NEUROPATHY, AXONAL, TYPE 2O; CHARCOT-MARIE-TOOTH DISEASE, AXONAL, AUTOSOMAL DOMINANT, TYPE 2O; Charcot-Marie-Tooth Neuropathy Type 2O; Charcot-Marie-Tooth disease, axonal, type 20. Identifiers: Orphanet 284232, MedGen C3280220, MONDO:0013644, OMIM 614228.

Submission:

Labcorp Genetics (formerly Invitae), Labcorp
Classification: Uncertain significance for Charcot-Marie-Tooth disease axonal type 2O. Last evaluated: 2022-09-23. Review status: criteria provided, single submitter. Criteria: Invitae Variant Classification Sherloc (09022015). Collection method: clinical testing. Allele origin: germline.
Comment: This variant has not been reported in the literature in individuals affected with DYNC1H1-related conditions. This sequence change replaces serine, which is neutral and polar, with proline, which is neutral and non-polar, at codon 586 of the DYNC1H1 protein (p.Ser586Pro). This variant is not present in population databases (gnomAD no frequency). Advanced modeling of protein sequence and biophysical properties (such as structural, functional, and spatial information, amino acid conservation, physicochemical variation, residue mobility, and thermodynamic stability) performed at Invitae indicates that this missense variant is expected to disrupt DYNC1H1 protein function. In summary, the available evidence is currently insufficient to determine the role of this variant in disease. Therefore, it has been classified as a Variant of Uncertain Significance.

NM_001376.5(DYNC1H1):c.1756T>C (p.Ser586Pro)

Gene: DYNC1H1 (dynein cytoplasmic 1 heavy chain 1; plus strand). Cytogenetic location: 14q32.31.
Variant type: single nucleotide variant.
Coding change: c.1756T>C on transcript NM_001376.5 (MANE Select); coding-DNA position 1756, T replaced by C.
Protein change: p.Ser586Pro; replaces serine 586 with proline.
Molecular consequence: missense variant.
Genome position (GRCh38, 1-based): chr14:101,985,981, T>C. VCF-style: chr14-101985981-T-C. GRCh37 (hg19) VCF-style: chr14-102452318-T-C.
Other names: short protein forms S586P.
Identifiers: ClinVar variation 2000433 (VCV002000433.4), dbSNP rs2503693768, ClinGen allele CA391019250.
Genomic context (GRCh38, chr14:101,985,981, plus strand): 5'-GCTCGCCTTCGGGATCAGCTTGGCACAGCCAAGAATGCCAACGAGATGTTTAGGATTTTC[T>C]CCAGGTTTAATGCACTGTTTGTCAGGCCTCACATCCGTGGGGCCATTCGCGAATACCAGA-3'
Protein context (NP_001367.2, residues 576-596): KNANEMFRIF[Ser586Pro]RFNALFVRPH